The following is an entry in ClinVar:

ClinVar aggregate classification (germline): Pathogenic (1 of 4 stars; one submission).

Submission:

Labcorp Genetics (formerly Invitae), Labcorp
Classification: Pathogenic. Last evaluated: 2023-10-08. Review status: criteria provided, single submitter. Criteria: Invitae Variant Classification Sherloc (09022015). Collection method: clinical testing. Allele origin: germline.
Comment: This sequence change creates a premature translational stop signal (p.Tyr1027*) in the ABCC2 gene. It is expected to result in an absent or disrupted protein product. Loss-of-function variants in ABCC2 are known to be pathogenic (PMID: 9185779, 16549534, 16952291). This variant is not present in population databases (gnomAD no frequency). This variant has not been reported in the literature in individuals affected with ABCC2-related conditions. Algorithms developed to predict the effect of sequence changes on RNA splicing suggest that this variant may disrupt the consensus splice site. For these reasons, this variant has been classified as Pathogenic.

Literature cited by the submitters: PubMed 9185779; PubMed 16549534; PubMed 16952291.

NM_000392.5(ABCC2):c.3081C>G (p.Tyr1027Ter)

Gene: ABCC2 (ATP binding cassette subfamily C member 2; plus strand). Cytogenetic location: 10q24.2.
Variant type: single nucleotide variant.
Coding change: c.3081C>G on transcript NM_000392.5 (MANE Select); coding-DNA position 3081, C replaced by G.
Protein change: p.Tyr1027Ter; replaces tyrosine 1027 with a stop codon.
Molecular consequence: nonsense.
Genome position (GRCh38, 1-based): chr10:99,831,808, C>G. VCF-style: chr10-99831808-C-G. GRCh37 (hg19) VCF-style: chr10-101591565-C-G.
Other names: short protein forms Y1027*.
Identifiers: ClinVar variation 2766832 (VCV002766832.3), dbSNP rs201212360, ClinGen allele CA378122023.